The following is an entry in ClinVar:

ClinVar aggregate classification (germline): Benign/Likely benign. Review status: criteria provided, multiple submitters, no conflicts (2 of 4 stars). 6 submissions from 6 submitters: Benign (3); Likely benign (1). 2 of the submissions do not count toward it. Last evaluated 2025-12-08.

Conditions:
Cardiovascular phenotype. Identifiers: MedGen CN230736.
DMD-related disorder. Also called: DMD-related condition.
Dystrophin deficiency.
Becker muscular dystrophy (BMD). Also called: MUSCULAR DYSTROPHY, PSEUDOHYPERTROPHIC PROGRESSIVE, BECKER TYPE; Becker Muscular Dystrophy (BMD). Identifiers: Orphanet 98895, MedGen C0917713, MONDO:0010311, OMIM 300376.
Cardiomyopathy (CMYO). Also called: Cardiomyopathies. Identifiers: Orphanet 167848, MedGen C0878544, MONDO:0004994, HP:0001638. Inheritance: Various modes of inheritance.
Duchenne muscular dystrophy (DMD). Also called: Duchenne Muscular Dystrophy (DMD); MUSCULAR DYSTROPHY, PSEUDOHYPERTROPHIC PROGRESSIVE, DUCHENNE TYPE. Identifiers: Orphanet 98896, MedGen C0013264, MONDO:0010679, OMIM 310200.

Allele frequency attached by ClinVar (database versions not stated): gnomAD below 0.00001 and 0.00011; ExAC 0.00040; 1000 Genomes Project 30x 0.00062; 1000 Genomes Project 0.00079; gnomAD exomes 0.00015 and 0.00024; TOPMed 0.00001.
gnomAD v4.1: 174 of 1,207,173 alleles (0.014%); highest among the groups gnomAD compares: South Asian, 0.29%; 1 homozygote.

Submissions (7):

Labcorp Genetics (formerly Invitae), Labcorp
Classification: Benign for Duchenne muscular dystrophy. Last evaluated: 2025-12-08. Review status: criteria provided, single submitter. Criteria: Invitae Variant Classification Sherloc (09022015). Collection method: clinical testing. Allele origin: germline.

Ambry Genetics
Classification: Benign for Cardiovascular phenotype. Last evaluated: 2025-03-04. Review status: criteria provided, single submitter. Criteria: Ambry Variant Classification Scheme 2023. Collection method: clinical testing. Allele origin: germline.

Blueprint Genetics
Classification: Likely benign. Last evaluated: 2024-11-18. Review status: criteria provided, single submitter. Criteria: ACMG Guidelines, 2015. Collection method: clinical testing. Allele origin: germline.

Eurofins Ntd Llc (ga)
Classification: Benign. Last evaluated: 2015-09-03. Review status: criteria provided, single submitter. Criteria: EGL Classification Definitions 2015. Collection method: clinical testing. Allele origin: germline. Observed: 2 variant alleles, 1 heterozygote, 1 hemizygote.

Natera, Inc.
Classification: Likely benign for Becker muscular dystrophy; Cardiomyopathy; Duchenne muscular dystrophy; Dystrophin deficiency. Last evaluated: 2020-04-11. Review status: no assertion criteria provided. Collection method: clinical testing. Allele origin: germline. Not counted in ClinVar's aggregate classification.

PreventionGenetics, part of Exact Sciences
Classification: Likely benign for DMD-related condition. Last evaluated: 2020-03-03. Review status: no assertion criteria provided. Collection method: clinical testing. Allele origin: germline. Not counted in ClinVar's aggregate classification.
Comment: This variant is classified as likely benign based on ACMG/AMP sequence variant interpretation guidelines (Richards et al. 2015 PMID: 25741868, with internal and published modifications).

Dr. Peter K. Rogan Lab, Western University
No classification provided (evidence only). Condition: Nonpapillary renal cell carcinoma. Review status: no classification provided. Collection method: in vitro. Allele origin: not applicable. Functional consequence: retained intron. Not counted in ClinVar's aggregate classification.

Literature cited by the submitters: PubMed 39588385 (cited by Ambry Genetics).

NM_004006.3(DMD):c.2173G>T (p.Asp725Tyr)

Gene: DMD (dystrophin; minus strand). Cytogenetic location: Xp21.1.
Variant type: single nucleotide variant.
Coding change: c.2173G>T on transcript NM_004006.3 (MANE Select); coding-DNA position 2173, G replaced by T.
Protein change: p.Asp725Tyr; replaces aspartic acid 725 with tyrosine.
Molecular consequence: missense variant.
Genome position (GRCh38, 1-based): chrX:32,518,127, C>A on the plus strand (G>T on the coding strand, the complement: DMD is on the minus strand). VCF-style: chrX-32518127-C-A. GRCh37 (hg19) VCF-style: chrX-32536244-C-A.
Other names: c.2149G>T, p.Asp717Tyr (NM_000109.4); c.2161G>T, p.Asp721Tyr (NM_004009.3); c.1804G>T, p.Asp602Tyr (NM_004010.3); short protein forms D602Y, D717Y, D721Y.
Identifiers: ClinVar variation 94498 (VCV000094498.57), dbSNP rs398123879, ClinGen allele CA222311.